The following is an entry in ClinVar:

ClinVar aggregate classification (germline): Uncertain significance. Review status: criteria provided, multiple submitters, no conflicts (2 of 4 stars). 2 submissions from 2 submitters: Uncertain significance (2). Last evaluated 2024-08-05.

Allele frequency attached by ClinVar (database versions not stated): gnomAD exomes below 0.00001.
gnomAD v4.1: 2 of 1,613,176 alleles (0.00012%); highest among the groups gnomAD compares: Admixed American, 0.0033%; no homozygotes.

Submissions (2):

GeneDx
Classification: Uncertain significance. Last evaluated: 2024-08-05. Review status: criteria provided, single submitter. Criteria: GeneDx Variant Classification Process June 2021. Collection method: clinical testing. Allele origin: germline. Affected: yes.
Comment: Not observed at significant frequency in large population cohorts (gnomAD); In silico analysis indicates that this missense variant does not alter protein structure/function; Has not been previously published as pathogenic or benign to our knowledge

Labcorp Genetics (formerly Invitae), Labcorp
Classification: Uncertain significance. Last evaluated: 2022-08-21. Review status: criteria provided, single submitter. Criteria: Invitae Variant Classification Sherloc (09022015). Collection method: clinical testing. Allele origin: germline.
Comment: In summary, the available evidence is currently insufficient to determine the role of this variant in disease. Therefore, it has been classified as a Variant of Uncertain Significance. Algorithms developed to predict the effect of missense changes on protein structure and function are either unavailable or do not agree on the potential impact of this missense change (SIFT: "Deleterious"; PolyPhen-2: "Not Available"; Align-GVGD: "Class C0"). This variant has not been reported in the literature in individuals affected with MICU1-related conditions. The frequency data for this variant in the population databases is considered unreliable, as metrics indicate poor data quality at this position in the gnomAD database. This sequence change replaces leucine, which is neutral and non-polar, with glutamine, which is neutral and polar, at codon 39 of the MICU1 protein (p.Leu39Gln).

NM_001195518.2(MICU1):c.116T>A (p.Leu39Gln)

Gene: MICU1 (mitochondrial calcium uptake 1; minus strand). Cytogenetic location: 10q22.1.
Variant type: single nucleotide variant.
Coding change: c.116T>A on transcript NM_001195518.2 (MANE Select); coding-DNA position 116, T replaced by A.
Protein change: p.Leu39Gln; replaces leucine 39 with glutamine.
Molecular consequence: missense variant.
Genome position (GRCh38, 1-based): chr10:72,566,678, A>T on the plus strand (T>A on the coding strand, the complement: MICU1 is on the minus strand). VCF-style: chr10-72566678-A-T. GRCh37 (hg19) VCF-style: chr10-74326436-A-T.
Other names: c.116T>A (NM_006077.3); c.116T>A, p.Leu39Gln (NM_001363513.2, NM_006077.4); short protein forms L39Q.
Identifiers: ClinVar variation 2010965 (VCV002010965.5), dbSNP rs1365606779, ClinGen allele CA377395712.